The following is an entry in ClinVar:

NM_004999.4(MYO6):c.254G>A (p.Arg85Lys)

Gene: MYO6 (myosin VI; plus strand). Cytogenetic location: 6q14.1.
Variant type: single nucleotide variant.
Coding change: c.254G>A on transcript NM_004999.4 (MANE Select); coding-DNA position 254, G replaced by A.
Protein change: p.Arg85Lys; replaces arginine 85 with lysine.
Molecular consequence: missense variant. On other transcripts: non-coding transcript variant (2).
Genome position (GRCh38, 1-based): chr6:75,828,606, G>A. VCF-style: chr6-75828606-G-A. GRCh37 (hg19) VCF-style: chr6-76538323-G-A.
Other names: c.254G>A, p.Arg85Lys (NM_001300899.2, NM_001368136.1, NM_001368137.1 and 5 more transcripts); short protein forms R85K.
Identifiers: ClinVar variation 4538031 (VCV004538031.1).

ClinVar aggregate classification (germline): Uncertain significance (1 of 4 stars; one submission).

gnomAD v4.1: 5 of 1,559,516 alleles (0.00032%); highest among the groups gnomAD compares: East Asian, 0.009%; no homozygotes.

Submission:

GeneDx
Classification: Uncertain significance. Last evaluated: 2025-06-10. Review status: criteria provided, single submitter. Criteria: GeneDx Variant Classification Process June 2021. Collection method: clinical testing. Allele origin: germline. Affected: yes.
Comment: In silico analysis suggests that this missense variant does not alter protein structure/function; Has not been previously published as pathogenic or benign to our knowledge